The following is an entry in ClinVar:

ClinVar aggregate classification (germline): Pathogenic (1 of 4 stars; one submission).

Conditions:
Fabry disease. Also called: ALPHA-GALACTOSIDASE A DEFICIENCY; ANDERSON-FABRY DISEASE; CERAMIDE TRIHEXOSIDASE DEFICIENCY; GLA DEFICIENCY; HEREDITARY DYSTOPIC LIPIDOSIS; Angiokeratoma corporis diffusum. Identifiers: Orphanet 324, MedGen C0002986, MONDO:0010526, OMIM 301500, HP:0001071. Disease mechanism: Fabry disease is due to inactivating mutations in the X-linked GLA gene resulting in deficiency of the enzyme Alpha Galactosidase-A., loss of function.

Submission:

Genomenon, Inc
Classification: Pathogenic for Fabry disease. Last evaluated: 2026-09-08. Review status: criteria provided, single submitter. Criteria: Genomenon Sequence Variant Interpretation Standards - Updated. Collection method: curation. Allele origin: germline. Affected: yes.
Comment: GLA p.Gly274Ser (c.820G>A) is a missense variant that changes the amino acid at codon 274 from Glycine to Serine. This variant has been observed in at least one proband with clinical features consistent with Fabry disease (PMID:15253767;18057066). The variant was found to segregate with disease in at least one affected family (PMID:15253767). At least one functional study has demonstrated a substantial alteration in protein function relative to the wild-type (PMID:32023956;27657681). It is absent or not present at a significant frequency in gnomAD. In silico models predict that this variant is possibly or probably damaging. In conclusion, we classify GLA p.Gly274Ser (c.820G>A) as a pathogenic variant.

Literature cited by the submitters: PubMed 15253767; PubMed 18057066; PubMed 32023956; PubMed 27657681.

NM_000169.3(GLA):c.820G>A (p.Gly274Ser)

Genes: GLA (galactosidase alpha; minus strand), RPL36A-HNRNPH2 (RPL36A-HNRNPH2 readthrough; plus strand). Cytogenetic location: Xq22.1.
Variant type: single nucleotide variant.
Coding change: c.820G>A on transcript NM_000169.3 (MANE Select); coding-DNA position 820, G replaced by A.
Protein change: p.Gly274Ser; replaces glycine 274 with serine.
Molecular consequence: missense variant. On other transcripts: non-coding transcript variant (3), intron variant (2).
Genome position (GRCh38, 1-based): chrX:101,398,549, C>T on the plus strand (G>A on the coding strand, the complement: GLA is on the minus strand). VCF-style: chrX-101398549-C-T. GRCh37 (hg19) VCF-style: chrX-100653537-C-T.
Other names: c.943G>A, p.Gly315Ser (NM_001406747.1); c.820G>A, p.Gly274Ser (NM_001406748.1); c.300+3092C>T (NM_001199973.2); c.177+6727C>T (NM_001199974.2); short protein forms G274S, G315S.
Identifiers: ClinVar variation 4087532 (VCV004087532.2).
Genomic context (GRCh38, chrX:101,398,549, plus strand): 5'-AAGGAGCAGCCATGATAGCCCAGAGGGCCATCTGAGTTACTTGCTGATTCCAGCTGAGGC[C>T]AAAGTTGCCAATCACTAACTGAGAAAAAGAATGAAATAATTCAAACAAGAGAGGAGGAAA-3'
Protein context (NP_000160.1, residues 264-284): DPDMLVIGNF[Gly274Ser]LSWNQQVTQM